The following is an entry in ClinVar:

NM_006883.2(SHOX):c.657G>A (p.Pro219=)

Gene: SHOX (SHOX homeobox; plus strand). Cytogenetic location: Xp22.33.
Variant type: single nucleotide variant.
Coding change: c.657G>A on transcript NM_006883.2; coding-DNA position 657, G replaced by A.
Protein change: p.Pro219=; no amino-acid change (proline 219 retained).
Molecular consequence: synonymous variant.
Genome position (GRCh38, 1-based): chrX:658,808, G>A. VCF-style: chrX-658808-G-A. GRCh37 (hg19) VCF-style: chrX-619543-G-A.
Identifiers: ClinVar variation 586580 (VCV000586580.23), dbSNP rs28474801, ClinGen allele CA10330191.

ClinVar aggregate classification (germline): Benign. Review status: criteria provided, multiple submitters, no conflicts (2 of 4 stars). 6 submissions from 6 submitters: Benign (5). 1 of the submissions does not count toward it. Last evaluated 2024-11-28.

Conditions:
SHOX-related disorder. Also called: SHOX-related condition.

Allele frequency attached by ClinVar (database versions not stated): 1000 Genomes Project 0.73881; TOPMed 0.71292; gnomAD 0.70636 and 0.70473; 1000 Genomes Project 30x 0.73861.
gnomAD v4.1: 248,928 of 384,448 alleles (65%); highest among the groups gnomAD compares: African/African-American, 89%; 83,240 homozygotes.

Submissions (9):

Blueprint Genetics
Classification: Benign. Last evaluated: 2024-11-28. Review status: criteria provided, single submitter. Criteria: ACMG Guidelines, 2015. Collection method: clinical testing. Allele origin: germline.

ARUP Laboratories, Molecular Genetics and Genomics, ARUP Laboratories
Classification: Benign. Last evaluated: 2022-06-06. Review status: criteria provided, single submitter. Criteria: ARUP Molecular Germline Variant Investigation Process 2021. Collection method: clinical testing. Allele origin: germline.

GeneDx
Classification: Benign. Last evaluated: 2020-12-30. Review status: criteria provided, single submitter. Criteria: GeneDx Variant Classification Process June 2021. Collection method: clinical testing. Allele origin: germline. Affected: yes.

Athena Diagnostics
Classification: Benign. Last evaluated: 2017-12-07. Review status: criteria provided, single submitter. Criteria: Athena Diagnostics Criteria. Collection method: clinical testing. Allele origin: germline.

Breakthrough Genomics
Classification: Benign. Review status: criteria provided, single submitter. Criteria: ACMG Guidelines, 2015. Collection method: not provided. Allele origin: germline. Inheritance: Other. Affected: yes.

PreventionGenetics, part of Exact Sciences
Classification: Benign for SHOX-related condition. Last evaluated: 2023-02-15. Review status: no assertion criteria provided. Collection method: clinical testing. Allele origin: germline. Not counted in ClinVar's aggregate classification.
Comment: This variant is classified as benign based on ACMG/AMP sequence variant interpretation guidelines (Richards et al. 2015 PMID: 25741868, with internal and published modifications).

Dr. Peter K. Rogan Lab, Western University
No classification provided (evidence only). Condition: Gastric cancer. Review status: no classification provided. Collection method: in vitro. Allele origin: not applicable. Functional consequence: retained intron. Not counted in ClinVar's aggregate classification.

Dr. Peter K. Rogan Lab, Western University
No classification provided (evidence only). Condition: Uterine carcinosarcoma. Review status: no classification provided. Collection method: in vitro. Allele origin: not applicable. Functional consequence: retained intron. Not counted in ClinVar's aggregate classification.

Dr. Peter K. Rogan Lab, Western University
No classification provided (evidence only). Condition: Uterine carcinosarcoma. Review status: no classification provided. Collection method: in vitro. Allele origin: not applicable. Functional consequence: retained intron. Not counted in ClinVar's aggregate classification.

Literature cited by the submitters: PubMed 12362035 (cited by Athena Diagnostics); PubMed 22020182 (cited by Athena Diagnostics).